The following is an entry in ClinVar:

NM_001165963.4(SCN1A):c.4556C>G (p.Pro1519Arg)

Genes: SCN1A (sodium voltage-gated channel alpha subunit 1; minus strand), LOC102724058 (uncharacterized LOC102724058; plus strand). Cytogenetic location: 2q24.3.
Variant type: single nucleotide variant.
Coding change: c.4556C>G on transcript NM_001165963.4 (MANE Select); coding-DNA position 4556, C replaced by G.
Protein change: p.Pro1519Arg; replaces proline 1519 with arginine.
Molecular consequence: missense variant. On other transcripts: non-coding transcript variant (1).
Genome position (GRCh38, 1-based): chr2:165,996,038, G>C on the plus strand (C>G on the coding strand, the complement: SCN1A is on the minus strand). VCF-style: chr2-165996038-G-C. GRCh37 (hg19) VCF-style: chr2-166852548-G-C.
Other names: c.4472C>G, p.Pro1491Arg (NM_001165964.3, NM_001353957.2, NM_001353958.2); c.4556C>G, p.Pro1519Arg (NM_001202435.3, NM_001353948.2); c.4523C>G, p.Pro1508Arg (NM_001353949.2, NM_001353950.2, NM_001353951.2 and 2 more transcripts); c.4520C>G, p.Pro1507Arg (NM_001353954.2, NM_001353955.2); c.4469C>G, p.Pro1490Arg (NM_001353960.2); c.2114C>G, p.Pro705Arg (NM_001353961.2); short protein forms P1490R, P1491R, P1507R, P1508R, P1519R, P705R.
Identifiers: ClinVar variation 662819 (VCV000662819.11), dbSNP rs372425457, ClinGen allele CA349048585.
Genomic context (GRCh38, chr2:165,996,038, plus strand): 5'-TGTATTTTTCCCCCATATCATTTGATACTTCTTACTCCTGGTCGAGGTATAGGCTTTTGC[G>C]GTTTTTTCGATCCTAATTTTTTCATTGCATTATAGTATTTCTTCTGTTCTTCTGTCATAA-3'
Protein context (NP_001159435.1, residues 1509-1529): NAMKKLGSKK[Pro1519Arg]QKPIPRPGNK

ClinVar aggregate classification (germline): Pathogenic (1 of 4 stars; one submission).

Conditions:
Early-infantile DEE. Also called: Early infantile epileptic encephalopathy; Ohtahara syndrome; Early infantile epileptic encephalopathy with suppression bursts. Identifiers: Orphanet 1934, MedGen C0393706, MONDO:0800491.

Submission:

Labcorp Genetics (formerly Invitae), Labcorp
Classification: Pathogenic for Early-infantile DEE. Last evaluated: 2025-01-27. Review status: criteria provided, single submitter. Criteria: Invitae Variant Classification Sherloc (09022015). Collection method: clinical testing. Allele origin: germline.
Comment: This sequence change replaces proline, which is neutral and non-polar, with arginine, which is basic and polar, at codon 1519 of the SCN1A protein (p.Pro1519Arg). This variant is not present in population databases (gnomAD no frequency). This missense change has been observed in individual(s) with clinical features of SCN1A-related conditions (internal data). In at least one individual the variant was observed to be de novo. ClinVar contains an entry for this variant (Variation ID: 662819). Invitae Evidence Modeling of protein sequence and biophysical properties (such as structural, functional, and spatial information, amino acid conservation, physicochemical variation, residue mobility, and thermodynamic stability) indicates that this missense variant is expected to disrupt SCN1A protein function with a positive predictive value of 95%. For these reasons, this variant has been classified as Pathogenic.